The following is an entry in ClinVar:

ClinVar aggregate classification (germline): Benign. Review status: criteria provided, multiple submitters, no conflicts (2 of 4 stars). 9 submissions from 9 submitters: Benign (6). 3 of the submissions do not count toward it. Last evaluated 2026-09-01.

Conditions:
Early-infantile DEE. Also called: Ohtahara syndrome; Early infantile epileptic encephalopathy with suppression bursts; Early infantile epileptic encephalopathy. Identifiers: Orphanet 1934, MedGen C0393706, MONDO:0800491.
SCN1A-related disorder. Also called: SCN1A-related conditions; SCN1A-related condition; SCN1A-related disorders.

Allele frequency attached by ClinVar (database versions not stated): 1000 Genomes Project 30x 0.00265; 1000 Genomes Project 0.00280; TOPMed 0.00378; ESP Exome Variant Server 0.00492; ExAC 0.00614; gnomAD 0.00617 and 0.00635; gnomAD exomes 0.00617.
gnomAD v4.1: 10,077 of 1,509,564 alleles (0.67%); highest among the groups gnomAD compares: Non-Finnish European, 0.7%; 65 homozygotes.

Submissions (9):

CeGaT Center for Human Genetics Tuebingen
Classification: Benign. Last evaluated: 2026-09-01. Review status: criteria provided, single submitter. Criteria: CeGaT Center For Human Genetics Tuebingen Variant Classification Criteria Version 2. Collection method: clinical testing. Allele origin: germline. Affected: yes. Observed: 58 variant alleles.
Comment: SCN1A: BS1, BS2

Labcorp Genetics (formerly Invitae), Labcorp
Classification: Benign for Early-infantile DEE. Last evaluated: 2026-01-31. Review status: criteria provided, single submitter. Criteria: Invitae Variant Classification Sherloc (09022015). Collection method: clinical testing. Allele origin: germline.

Blueprint Genetics
Classification: Benign. Last evaluated: 2024-11-18. Review status: criteria provided, single submitter. Criteria: ACMG Guidelines, 2015. Collection method: clinical testing. Allele origin: germline.

Eurofins Ntd Llc (ga)
Classification: Benign. Last evaluated: 2013-05-13. Review status: criteria provided, single submitter. Criteria: EGL Classification Definitions 2015. Collection method: clinical testing. Allele origin: germline. Observed: 1 variant allele, 1 heterozygote.

GeneDx
Classification: Benign. Last evaluated: 2012-04-27. Review status: criteria provided, single submitter. Criteria: GeneDx Variant Classification (06012015). Collection method: clinical testing. Allele origin: germline. Affected: yes.
Comment: This variant is considered likely benign or benign based on one or more of the following criteria: it is a conservative change, it occurs at a poorly conserved position in the protein, it is predicted to be benign by multiple in silico algorithms, and/or has population frequency not consistent with disease.

Breakthrough Genomics
Classification: Benign. Review status: criteria provided, single submitter. Criteria: ACMG Guidelines, 2015. Collection method: not provided. Allele origin: germline. Inheritance: Autosomal dominant inheritance. Affected: yes.

PreventionGenetics, part of Exact Sciences
Classification: Benign for SCN1A-related condition. Last evaluated: 2024-07-22. Review status: no assertion criteria provided. Collection method: clinical testing. Allele origin: germline. Not counted in ClinVar's aggregate classification.
Comment: This variant is classified as benign based on ACMG/AMP sequence variant interpretation guidelines (Richards et al. 2015 PMID: 25741868, with internal and published modifications).

Genome Diagnostics Laboratory, University Medical Center Utrecht
Classification: Benign. Review status: no assertion criteria provided. Collection method: clinical testing. Allele origin: germline. Affected: yes. Study: VKGL Data-share Consensus. Not counted in ClinVar's aggregate classification.

Laboratory of Diagnostic Genome Analysis, Leiden University Medical Center (LUMC)
Classification: Benign. Review status: no assertion criteria provided. Collection method: clinical testing. Allele origin: germline. Affected: yes. Study: VKGL Data-share Consensus. Not counted in ClinVar's aggregate classification.

NM_001165963.4(SCN1A):c.384-20G>C

Gene: SCN1A (sodium voltage-gated channel alpha subunit 1; minus strand). Cytogenetic location: 2q24.3.
Variant type: single nucleotide variant.
Coding change: c.384-20G>C on transcript NM_001165963.4 (MANE Select); 20 bases into the intron before coding-DNA position 384, G replaced by C.
Molecular consequence: intron variant.
Genome position (GRCh38, 1-based): chr2:166,056,520, C>G on the plus strand (G>C on the coding strand, the complement: SCN1A is on the minus strand). VCF-style: chr2-166056520-C-G. GRCh37 (hg19) VCF-style: chr2-166913030-C-G.
Other names: c.384-20G>C (NM_001353949.2, NM_001353958.2, NM_001353950.2 and 10 more transcripts); c.-2042-20G>C (NM_001353961.2).
Identifiers: ClinVar variation 93648 (VCV000093648.52), dbSNP rs192956852, ClinGen allele CA285452.